The following is an entry in ClinVar:

NM_015215.4(CAMTA1):c.2054C>T (p.Thr685Met)

Gene: CAMTA1 (calmodulin binding transcription activator 1; plus strand). Cytogenetic location: 1p36.23.
Variant type: single nucleotide variant.
Coding change: c.2054C>T on transcript NM_015215.4 (MANE Select); coding-DNA position 2054, C replaced by T.
Protein change: p.Thr685Met; replaces threonine 685 with methionine.
Molecular consequence: missense variant.
Genome position (GRCh38, 1-based): chr1:7,664,601, C>T. VCF-style: chr1-7664601-C-T. GRCh37 (hg19) VCF-style: chr1-7724661-C-T.
Other names: c.1964C>T, p.Thr655Met (NM_001349608.2, NM_001349612.2); c.2054C>T, p.Thr685Met (NM_001349609.2, NM_001349610.2, NM_001410737.1); c.1982C>T, p.Thr661Met (NM_001410738.1); c.2054C>T (NM_015215.2); short protein forms T685M, T655M, T661M.
Identifiers: ClinVar variation 1905545 (VCV001905545.6), dbSNP rs368013673, ClinGen allele CA566554.
Genomic context (GRCh38, chr1:7,664,601, plus strand): 5'-GGATCGAGTCCACTTCCTCCCTCCACCTCATGCAGTTCCAGGCCAACTTCCAGGCCATGA[C>T]GGCAGAAGGGGAGGTCACCATGGAGACCTCGCAGGCGGCGGAAGGGAGCGAGGTCCTGCT-3'
Protein context (NP_056030.1, residues 675-695): MQFQANFQAM[Thr685Met]AEGEVTMETS

ClinVar aggregate classification (germline): Conflicting classifications of pathogenicity. Review status: criteria provided, conflicting classifications (1 of 4 stars). 2 submissions from 2 submitters: Uncertain significance (1); Likely benign (1). Last evaluated 2024-08-15.

Conditions:
Inborn genetic diseases. Identifiers: MedGen C0950123, MeSH D030342.

Allele frequency attached by ClinVar (database versions not stated): gnomAD exomes 0.00006; ExAC 0.00008; ESP Exome Variant Server 0.00008; gnomAD 0.00009; TOPMed 0.00012.
gnomAD v4.1: 98 of 1,611,892 alleles (0.0061%); highest among the groups gnomAD compares: East Asian, 0.036%; no homozygotes.

Submissions (2):

Ambry Genetics
Classification: Likely benign for Inborn genetic diseases. Last evaluated: 2024-08-15. Review status: criteria provided, single submitter. Criteria: Ambry Variant Classification Scheme 2023. Collection method: clinical testing. Allele origin: germline.

Labcorp Genetics (formerly Invitae), Labcorp
Classification: Uncertain significance. Last evaluated: 2022-03-02. Review status: criteria provided, single submitter. Criteria: Invitae Variant Classification Sherloc (09022015). Collection method: clinical testing. Allele origin: germline.
Comment: In summary, the available evidence is currently insufficient to determine the role of this variant in disease. Therefore, it has been classified as a Variant of Uncertain Significance. Algorithms developed to predict the effect of missense changes on protein structure and function (SIFT, PolyPhen-2, Align-GVGD) all suggest that this variant is likely to be tolerated. This sequence change replaces threonine, which is neutral and polar, with methionine, which is neutral and non-polar, at codon 685 of the CAMTA1 protein (p.Thr685Met). This variant is present in population databases (rs368013673, gnomAD 0.03%), and has an allele count higher than expected for a pathogenic variant. This variant has not been reported in the literature in individuals affected with CAMTA1-related conditions.